The following is an entry in ClinVar:

NM_018051.5(DYNC2I1):c.762A>C (p.Glu254Asp)

Gene: DYNC2I1 (dynein 2 intermediate chain 1; plus strand). Cytogenetic location: 7q36.3.
Variant type: single nucleotide variant.
Coding change: c.762A>C on transcript NM_018051.5 (MANE Select); coding-DNA position 762, A replaced by C.
Protein change: p.Glu254Asp; replaces glutamic acid 254 with aspartic acid.
Molecular consequence: missense variant. On other transcripts: 5 prime UTR variant (3).
Genome position (GRCh38, 1-based): chr7:158,879,872, A>C. VCF-style: chr7-158879872-A-C. GRCh37 (hg19) VCF-style: chr7-158672563-A-C.
Other names: c.624A>C, p.Glu208Asp (NM_001350914.2); c.245A>C, p.Lys82Thr (NM_001350915.2); c.-597A>C (NM_001350916.2); c.-605A>C (NM_001350917.2); c.-724A>C (NM_001350918.2); short protein forms K82T, E208D, E254D.
Identifiers: ClinVar variation 2106235 (VCV002106235.4), dbSNP rs2535899139, ClinGen allele CA370180639.
Genomic context (GRCh38, chr7:158,879,872, plus strand): 5'-GGAAAAAAGAGAGAAATATTCCAAAGAGAAAAGTAATTCATTCTCTGACAAAGGGGAAGA[A>C]AGACATAAAGAAAAGCGACACAAAGAAGGTTTTCATTTTGATGATGAGAGGCACCAAAGC-3'
Protein context (NP_060521.4, residues 244-264): KSNSFSDKGE[Glu254Asp]RHKEKRHKEG

ClinVar aggregate classification (germline): Uncertain significance (1 of 4 stars; one submission).

Conditions:
Short-rib thoracic dysplasia 8 with or without polydactyly (SRTD8). Also called: SHORT-RIB THORACIC DYSPLASIA 8 WITH POLYDACTYLY. Identifiers: Orphanet 93271, MedGen C3809691, MONDO:0014214, OMIM 615503.

Submission:

Labcorp Genetics (formerly Invitae), Labcorp
Classification: Uncertain significance for Short-rib thoracic dysplasia 8 with or without polydactyly. Last evaluated: 2022-03-04. Review status: criteria provided, single submitter. Criteria: Invitae Variant Classification Sherloc (09022015). Collection method: clinical testing. Allele origin: germline.
Comment: This sequence change replaces glutamic acid, which is acidic and polar, with aspartic acid, which is acidic and polar, at codon 254 of the WDR60 protein (p.Glu254Asp). This variant is not present in population databases (gnomAD no frequency). This variant has not been reported in the literature in individuals affected with WDR60-related conditions. Algorithms developed to predict the effect of missense changes on protein structure and function output the following: SIFT: "Tolerated"; PolyPhen-2: "Benign"; Align-GVGD: "Class C0". The aspartic acid amino acid residue is found in multiple mammalian species, which suggests that this missense change does not adversely affect protein function. In summary, the available evidence is currently insufficient to determine the role of this variant in disease. Therefore, it has been classified as a Variant of Uncertain Significance.